The following is an entry in ClinVar:

NM_004654.4(USP9Y):c.1922A>T (p.Gln641Leu)

Gene: USP9Y (ubiquitin specific peptidase 9 Y-linked; plus strand). Cytogenetic location: Yq11.221.
Variant type: single nucleotide variant.
Coding change: c.1922A>T on transcript NM_004654.4 (MANE Select); coding-DNA position 1922, A replaced by T.
Protein change: p.Gln641Leu; replaces glutamine 641 with leucine.
Molecular consequence: missense variant.
Genome position (GRCh38, 1-based): chrY:12,771,089, A>T. VCF-style: chrY-12771089-A-T. GRCh37 (hg19) VCF-style: chrY-14883023-A-T.
Other names: short protein forms Q641L.
Identifiers: ClinVar variation 5020424 (VCV005020424.1).

ClinVar aggregate classification (germline): Uncertain significance (1 of 4 stars; one submission).

gnomAD v4.1: 1 of 397,184 alleles (0.00025%); highest among the groups gnomAD compares: Non-Finnish European, 0.00035%; no homozygotes.

Submission:

Dasa
Classification: Uncertain significance. Last evaluated: 2026-06-05. Review status: criteria provided, single submitter. Criteria: DASA Assertion Criteria. Collection method: clinical testing. Allele origin: germline.
Comment: NM_004654.4(USP9Y):c.1922A>T (p.Gln641Leu) is a missense variant that results in the substitution of glutamine with leucine. This variant is rare in population databases. Computational prediction algorithms are consistent with a benign effect. The currently available literature and clinical evidence are not sufficient to establish a definitive association between this variant and the reported condition. Therefore, this variant is classified as a variant of uncertain significance.